The following is an entry in ClinVar:

NM_000238.4(KCNH2):c.2524C>G (p.Leu842Val)

Gene: KCNH2 (potassium voltage-gated channel subfamily H member 2; minus strand). Cytogenetic location: 7q36.1.
Variant type: single nucleotide variant.
Coding change: c.2524C>G on transcript NM_000238.4 (MANE Select); coding-DNA position 2524, C replaced by G.
Protein change: p.Leu842Val; replaces leucine 842 with valine.
Molecular consequence: missense variant.
Genome position (GRCh38, 1-based): chr7:150,948,924, G>C on the plus strand (C>G on the coding strand, the complement: KCNH2 is on the minus strand). VCF-style: chr7-150948924-G-C. GRCh37 (hg19) VCF-style: chr7-150646012-G-C.
Other names: c.1504C>G, p.Leu502Val (NM_172057.3); short protein forms L502V, L842V.
Identifiers: ClinVar variation 1698213 (VCV001698213.7), dbSNP rs2116940520, ClinGen allele CA369854952.

ClinVar aggregate classification (germline): Uncertain significance. Review status: criteria provided, multiple submitters, no conflicts (2 of 4 stars). 2 submissions from 2 submitters: Uncertain significance (2). Last evaluated 2023-09-03.

Conditions:
Long QT syndrome (LQTS). Identifiers: MedGen C0023976, MeSH D008133, MONDO:0002442. Disease mechanism: loss of function. Inheritance: Various modes of inheritance.

Allele frequency attached by ClinVar (database versions not stated): gnomAD exomes below 0.00001.
gnomAD v4.1: 1 of 1,614,214 alleles (0.000062%); highest among the groups gnomAD compares: Non-Finnish European, 0.000085%; no homozygotes.

Submissions (2):

Labcorp Genetics (formerly Invitae), Labcorp
Classification: Uncertain significance for Long QT syndrome. Last evaluated: 2023-09-03. Review status: criteria provided, single submitter. Criteria: Invitae Variant Classification Sherloc (09022015). Collection method: clinical testing. Allele origin: germline.
Comment: This variant is not present in population databases (gnomAD no frequency). This sequence change replaces leucine, which is neutral and non-polar, with valine, which is neutral and non-polar, at codon 842 of the KCNH2 protein (p.Leu842Val). This variant has not been reported in the literature in individuals affected with KCNH2-related conditions. In summary, the available evidence is currently insufficient to determine the role of this variant in disease. Therefore, it has been classified as a Variant of Uncertain Significance. An algorithm developed to predict the effect of missense changes on protein structure and function (PolyPhen-2) suggests that this variant is likely to be disruptive. ClinVar contains an entry for this variant (Variation ID: 1698213).

GeneDx
Classification: Uncertain significance. Last evaluated: 2022-01-21. Review status: criteria provided, single submitter. Criteria: GeneDx Variant Classification Process June 2021. Collection method: clinical testing. Allele origin: germline. Affected: yes.
Comment: Not observed at significant frequency in large population cohorts (gnomAD); In silico analysis supports that this missense variant has a deleterious effect on protein structure/function; Has not been previously published as pathogenic or benign to our knowledge